The following is an entry in ClinVar:

NM_007186.6(CEP250):c.7033G>A (p.Asp2345Asn)

Gene: CEP250 (centrosomal protein 250; plus strand). Cytogenetic location: 20q11.22.
Variant type: single nucleotide variant.
Coding change: c.7033G>A on transcript NM_007186.6 (MANE Select); coding-DNA position 7033, G replaced by A.
Protein change: p.Asp2345Asn; replaces aspartic acid 2345 with asparagine.
Molecular consequence: missense variant.
Genome position (GRCh38, 1-based): chr20:35,510,022, G>A. VCF-style: chr20-35510022-G-A. GRCh37 (hg19) VCF-style: chr20-34097851-G-A.
Other names: c.5137G>A, p.Asp1713Asn (NM_001318219.1); short protein forms D2345N, D1713N.
Identifiers: ClinVar variation 1954309 (VCV001954309.2), dbSNP rs1217354782, ClinGen allele CA408761190.
Genomic context (GRCh38, chr20:35,510,022, plus strand): 5'-GCCTATGCCAACAAGAGTGCTGTTTGTCTTCCTTAGGATGGGAGAGGACAGAAGAACTCA[G>A]ATGCCAAGTGTGTGGCTGAACTGCAGAAAGAGGTATGTTCTGGATTTTCTAAGCCCATAT-3'
Protein context (NP_009117.2, residues 2335-2355): QQDGRGQKNS[Asp2345Asn]AKCVAELQKE

ClinVar aggregate classification (germline): Uncertain significance (1 of 4 stars; one submission).

Allele frequency attached by ClinVar (database versions not stated): gnomAD exomes 0.00002.
gnomAD v4.1: 34 of 1,614,244 alleles (0.0021%); highest among the groups gnomAD compares: Non-Finnish European, 0.0029%; no homozygotes.

Submission:

Labcorp Genetics (formerly Invitae), Labcorp
Classification: Uncertain significance. Last evaluated: 2022-06-18. Review status: criteria provided, single submitter. Criteria: Invitae Variant Classification Sherloc (09022015). Collection method: clinical testing. Allele origin: germline.
Comment: This sequence change replaces aspartic acid, which is acidic and polar, with asparagine, which is neutral and polar, at codon 2345 of the CEP250 protein (p.Asp2345Asn). This variant is present in population databases (no rsID available, gnomAD 0.0009%). This variant has not been reported in the literature in individuals affected with CEP250-related conditions. Algorithms developed to predict the effect of missense changes on protein structure and function output the following: SIFT: "Not Available"; PolyPhen-2: "Benign"; Align-GVGD: "Not Available". The asparagine amino acid residue is found in multiple mammalian species, which suggests that this missense change does not adversely affect protein function. In summary, the available evidence is currently insufficient to determine the role of this variant in disease. Therefore, it has been classified as a Variant of Uncertain Significance.